The following is an entry in ClinVar:

NM_001205293.3(CACNA1E):c.3434C>A (p.Ala1145Asp)

Gene: CACNA1E (calcium voltage-gated channel subunit alpha1 E; plus strand). Cytogenetic location: 1q25.3.
Variant type: single nucleotide variant.
Coding change: c.3434C>A on transcript NM_001205293.3 (MANE Select); coding-DNA position 3434, C replaced by A.
Protein change: p.Ala1145Asp; replaces alanine 1145 with aspartic acid.
Molecular consequence: missense variant.
Genome position (GRCh38, 1-based): chr1:181,737,536, C>A. VCF-style: chr1-181737536-C-A. GRCh37 (hg19) VCF-style: chr1-181706672-C-A.
Other names: c.3434C>A, p.Ala1145Asp (NM_000721.4); c.3377C>A, p.Ala1126Asp (NM_001205294.2); short protein forms A1126D, A1145D.
Identifiers: ClinVar variation 2577658 (VCV002577658.1), dbSNP rs2528763720, ClinGen allele CA343621825.
Genomic context (GRCh38, chr1:181,737,536, plus strand): 5'-ATGGGCGTGGTGGGGAGTGGGCCAGCTCAGCCATGCCCACTGCCCGCAGGATCCGGAGGG[C>A]CTGCCACTACATCGTGAACCTGCGCTACTTTGAGATGTGCATCCTCCTGGTGATTGCAGC-3'
Protein context (NP_001192222.1, residues 1135-1155): IFSTTNPIRR[Ala1145Asp]CHYIVNLRYF

ClinVar aggregate classification (germline): Uncertain significance (1 of 4 stars; one submission).

Submission:

GeneDx
Classification: Uncertain significance. Last evaluated: 2023-01-20. Review status: criteria provided, single submitter. Criteria: GeneDx Variant Classification Process June 2021. Collection method: clinical testing. Allele origin: germline. Affected: yes.
Comment: Not observed at significant frequency in large population cohorts (gnomAD); In silico analysis supports that this missense variant has a deleterious effect on protein structure/function; Has not been previously published as pathogenic or benign to our knowledge